The following is an entry in ClinVar:

NM_000041.4(APOE):c.358G>T (p.Ala120Ser)

Gene: APOE (apolipoprotein E; plus strand). Cytogenetic location: 19q13.32.
Variant type: single nucleotide variant.
Coding change: c.358G>T on transcript NM_000041.4 (MANE Select); coding-DNA position 358, G replaced by T.
Protein change: p.Ala120Ser; replaces alanine 120 with serine.
Molecular consequence: missense variant.
Genome position (GRCh38, 1-based): chr19:44,908,654, G>T. VCF-style: chr19-44908654-G-T. GRCh37 (hg19) VCF-style: chr19-45411911-G-T.
Other names: c.436G>T, p.Ala146Ser (NM_001302688.2); c.358G>T, p.Ala120Ser (NM_001302689.2, NM_001302690.2, NM_001302691.2); short protein forms A120S, A146S.
Identifiers: ClinVar variation 3417851 (VCV003417851.1).

ClinVar aggregate classification (germline): Uncertain significance (1 of 4 stars; one submission).

Conditions:
Cardiovascular phenotype. Identifiers: MedGen CN230736.

gnomAD v4.1: 3 of 1,589,542 alleles (0.00019%); highest among the groups gnomAD compares: African/African-American, 0.004%; no homozygotes.

Submission:

Ambry Genetics
Classification: Uncertain significance for Cardiovascular phenotype. Last evaluated: 2024-11-27. Review status: criteria provided, single submitter. Criteria: Ambry Variant Classification Scheme 2023. Collection method: clinical testing. Allele origin: germline.
Comment: The p.A120S variant (also known as c.358G>T), located in coding exon 3 of the APOE gene, results from a G to T substitution at nucleotide position 358. The alanine at codon 120 is replaced by serine, an amino acid with similar properties. This amino acid position is conserved. In addition, this alteration is predicted to be tolerated by in silico analysis. Based on the available evidence, the clinical significance of this variant remains unclear.